The following is an entry in ClinVar:

ClinVar aggregate classification (germline): Uncertain significance (1 of 4 stars; one submission).

Allele frequency attached by ClinVar (database versions not stated): gnomAD exomes below 0.00001.
gnomAD v4.1: 1 of 1,613,384 alleles (0.000062%); highest among the groups gnomAD compares: South Asian, 0.0011%; no homozygotes.

Submission:

Labcorp Genetics (formerly Invitae), Labcorp
Classification: Uncertain significance. Last evaluated: 2025-11-24. Review status: criteria provided, single submitter. Criteria: Invitae Variant Classification Sherloc (09022015). Collection method: clinical testing. Allele origin: germline.
Comment: This sequence change replaces leucine, which is neutral and non-polar, with proline, which is neutral and non-polar, at codon 53 of the HOXB13 protein (p.Leu53Pro). This variant is not present in population databases (gnomAD no frequency). This variant has not been reported in the literature in individuals affected with HOXB13-related conditions. ClinVar contains an entry for this variant (Variation ID: 1382625). An algorithm developed to predict the effect of missense changes on protein structure and function (PolyPhen-2) suggests that this variant is likely to be disruptive. In summary, the available evidence is currently insufficient to determine the role of this variant in disease. Therefore, it has been classified as a Variant of Uncertain Significance.

NM_006361.6(HOXB13):c.158T>C (p.Leu53Pro)

Gene: HOXB13 (homeobox B13; minus strand). Cytogenetic location: 17q21.32.
Variant type: single nucleotide variant.
Coding change: c.158T>C on transcript NM_006361.6 (MANE Select); coding-DNA position 158, T replaced by C.
Protein change: p.Leu53Pro; replaces leucine 53 with proline.
Molecular consequence: missense variant.
Genome position (GRCh38, 1-based): chr17:48,728,436, A>G on the plus strand (T>C on the coding strand, the complement: HOXB13 is on the minus strand). VCF-style: chr17-48728436-A-G. GRCh37 (hg19) VCF-style: chr17-46805798-A-G.
Other names: short protein forms L53P.
Identifiers: ClinVar variation 1382625 (VCV001382625.8), dbSNP rs2143074600, ClinGen allele CA400109060.
Genomic context (GRCh38, chr17:48,728,436, plus strand): 5'-GTCCCCTGGGGCACCCCAGGGCATGGGTGGCATTGCTTTGGCGGCTCCGCCGAGCCTGGC[A>G]GATCCAAGGGGGCATAGTTGACAGCAGGCATCAGCGTAGGCGCCGCTGGGTGGCTGGTCA-3'
Protein context (NP_006352.2, residues 43-63): MPAVNYAPLD[Leu53Pro]PGSAEPPKQC